The following is an entry in ClinVar:

ClinVar aggregate classification (germline): Uncertain significance (1 of 4 stars; one submission).

Conditions:
Inborn genetic diseases. Identifiers: MedGen C0950123, MeSH D030342.

Submission:

Ambry Genetics
Classification: Uncertain significance for Inborn genetic diseases. Last evaluated: 2023-03-28. Review status: criteria provided, single submitter. Criteria: Ambry Variant Classification Scheme 2023. Collection method: clinical testing. Allele origin: germline.
Comment: The c.4811_4813delAGA (p.K1604del) alteration is located in exon 18 (coding exon 18) of the ASPM gene. This alteration consists of an in-frame deletion of 3 nucleotides between nucleotide positions c.4811 and c.4813, resulting in the deletion of <NA> residues. Based on insufficient or conflicting evidence, the clinical significance of this alteration remains unclear.

NM_018136.5(ASPM):c.4808AGA[1] (p.Lys1604del)

Gene: ASPM (assembly factor for spindle microtubules; minus strand). Cytogenetic location: 1q31.3.
Variant type: Microsatellite.
Coding change: c.4808AGA[1] on transcript NM_018136.5 (MANE Select); one copy of the 3-base unit AGA starting at c.4808; the reference has two copies in a row; one copy, 3 bases deleted.
Protein change: p.Lys1604del; deletes lysine 1604.
Molecular consequence: inframe deletion. On other transcripts: intron variant (1).
Genome position (GRCh38, 1-based): chr1:197,104,438-197,104,440, TCT deleted on the plus strand (AGA on the coding strand, the reverse complement: ASPM is on the minus strand); deleting any 3 consecutive bases within chr1:197,104,438-197,104,444 gives the same sequence; the position shown is the placement nearest the transcript's 3' end. VCF-style (leftmost placement, unchanged base first): chr1-197104437-ATCT-A. GRCh37 (hg19) VCF-style: chr1-197073567-ATCT-A.
Other names: c.4066-8276_4066-8274del (NM_001206846.2); short protein forms K1604del.
Identifiers: ClinVar variation 2525955 (VCV002525955.2), dbSNP rs745523857, ClinGen allele CA1309857.